The following is an entry in ClinVar:

NM_022436.3(ABCG5):c.1079A>G (p.Asp360Gly)

Genes: ABCG5 (ATP binding cassette subfamily G member 5; minus strand), DYNC2LI1 (dynein cytoplasmic 2 light intermediate chain 1; plus strand). Cytogenetic location: 2p21.
Variant type: single nucleotide variant.
Coding change: c.1079A>G on transcript NM_022436.3 (MANE Select); coding-DNA position 1079, A replaced by G.
Protein change: p.Asp360Gly; replaces aspartic acid 360 with glycine.
Molecular consequence: missense variant. On other transcripts: intron variant (2).
Genome position (GRCh38, 1-based): chr2:43,824,258, T>C on the plus strand (A>G on the coding strand, the complement: ABCG5 is on the minus strand). VCF-style: chr2-43824258-T-C. GRCh37 (hg19) VCF-style: chr2-44051397-T-C.
Other names: c.*16-3128T>C (NM_001348913.2, NM_001348912.2); short protein forms D360G.
Identifiers: ClinVar variation 3310807 (VCV003310807.1).
Genomic context (GRCh38, chr2:43,824,258, plus strand): 5'-TCACATTTGTGAGCCTCTTACCTCAGGAGAACACCCAGTTTAGAGAAAACTCCAGGAGAA[T>C]CTTTGGTTTTGAAAGGAACCATTGGTAACGTTTTCAGGTGTTTCATTCTTTCAATATTCT-3'
Protein context (NP_071881.1, residues 350-370): TLPMVPFKTK[Asp360Gly]SPGVFSKLGV

ClinVar aggregate classification (germline): Uncertain significance (1 of 4 stars; one submission).

Conditions:
Cardiovascular phenotype. Identifiers: MedGen CN230736.

gnomAD v4.1: 12 of 1,614,246 alleles (0.00074%); highest among the groups gnomAD compares: South Asian, 0.0011%; no homozygotes.

Submission:

Ambry Genetics
Classification: Uncertain significance for Cardiovascular phenotype. Last evaluated: 2024-05-17. Review status: criteria provided, single submitter. Criteria: Ambry Variant Classification Scheme 2023. Collection method: clinical testing. Allele origin: germline.
Comment: The p.D360G variant (also known as c.1079A>G), located in coding exon 8 of the ABCG5 gene, results from an A to G substitution at nucleotide position 1079. The aspartic acid at codon 360 is replaced by glycine, an amino acid with similar properties. This amino acid position is conserved. In addition, the in silico prediction for this alteration is inconclusive. Based on the available evidence, the clinical significance of this variant remains unclear.